The following continues an entry in ClinVar:

NM_000492.4(CFTR):c.92G>T (p.Arg31Leu)

Gene: CFTR. ClinVar aggregate classification (germline): Uncertain significance. Uncertain significance (1).

Submissions 7 to 13 of 13:

Sema4
Classification: Uncertain significance for Hereditary pancreatitis. Last evaluated: 2021-04-30. Review status: criteria provided, single submitter. Criteria: Sema4 Curation Guidelines. Collection method: curation. Allele origin: germline. Not counted in ClinVar's aggregate classification.
Comment: The CFTR c.92G>T (p.R31L) variant has been reported in heterozygosity in at least 7 individuals with mild cystic fibrosis (PMID: 29805046, 7537150, 28392015). This variant was observed in 11/282294 chromosomes from large and broad populations by the Genome Aggregation Database (PMID: 32461654). This variant has been reported in ClinVar (Variation ID: 54087). Computational analyses and evolutionary conservation data do not provide strong support for or against an impact to the protein. Functional studies using transfected Cos-7 cells indicate that variant compromises the expression and transport of CFTR protein (PMID 16339147). The overall evidence is insufficient to meet ACMG/AMP criteria for classifying it as benign or pathogenic. In summary, the clinical significance of this variant is currently uncertain.

Mayo Clinic Laboratories, Mayo Clinic
Classification: Uncertain significance. Last evaluated: 2021-03-19. Review status: criteria provided, single submitter. Criteria: ACMG Guidelines, 2015. Collection method: clinical testing. Allele origin: germline. Observed: 1 variant allele. Not counted in ClinVar's aggregate classification.

Johns Hopkins Genomics, Johns Hopkins University
Classification: Uncertain significance for Cystic fibrosis. Last evaluated: 2019-03-01. Review status: criteria provided, single submitter. Criteria: ACMG Guidelines, 2015. Collection method: clinical testing. Allele origin: germline. Not counted in ClinVar's aggregate classification.
Comment: This variant has been previously reported in patients with a phenotypic consistent with cystic fibrosis and is currently classified as a variant of uncertain significance by three submitters in ClinVar. Functional studies have shown that this variant may lead to reduced protein function, however the impact of this variant is not completely understood at this time. Additionally, this CFTR variant (rs149353983) is rare (<0.1%) in large population datasets (gnomAD: 11/282294 total alleles; 0.0039%; no homozygotes). Two bioinformatic tools queried predict that this substitution would be tolerated, and the arginine residue at this position is evolutionarily conserved across most species assessed. The clinical significance of c.92G>T is uncertain at this time.

Eurofins Ntd Llc (ga)
Classification: Uncertain significance. Last evaluated: 2018-06-07. Review status: criteria provided, single submitter. Criteria: EGL ClinVar v180209 classification definitions. Collection method: clinical testing. Allele origin: germline. Observed: 1 variant allele, 1 heterozygote. Not counted in ClinVar's aggregate classification.

Counsyl
Classification: Uncertain significance for Cystic fibrosis. Last evaluated: 2017-11-13. Review status: no assertion criteria provided. Collection method: clinical testing. Allele origin: unknown. Not counted in ClinVar's aggregate classification.

Clinical Molecular Genetics Laboratory, Johns Hopkins All Children's Hospital
Classification: Uncertain significance. Last evaluated: 2015-06-17. Review status: no assertion criteria provided. Collection method: clinical testing. Allele origin: germline. Affected: yes. Not counted in ClinVar's aggregate classification.

ClinVar Staff, National Center for Biotechnology Information (NCBI)
No classification provided. Condition: CFTR-related disorders. Review status: no classification provided. Collection method: literature only. Allele origin: germline. Affected: yes. Not counted in ClinVar's aggregate classification.

Literature cited by the submitters: PubMed 16339147 (cited by 5 submitters); PubMed 17098864 (cited by Women's Health and Genetics/Laboratory Corporation of America, LabCorp); PubMed 18306312 (cited by Women's Health and Genetics/Laboratory Corporation of America, LabCorp); PubMed 17235394 (cited by Women's Health and Genetics/Laboratory Corporation of America, LabCorp); PubMed 15536480 (cited by Women's Health and Genetics/Laboratory Corporation of America, LabCorp and Ambry Genetics); PubMed 7526685 (cited by Women's Health and Genetics/Laboratory Corporation of America, LabCorp); PubMed 16251901 (cited by Women's Health and Genetics/Laboratory Corporation of America, LabCorp and Ambry Genetics); PubMed 18193900 (cited by Women's Health and Genetics/Laboratory Corporation of America, LabCorp and Ambry Genetics); PubMed 7537150 (cited by 4 submitters); PubMed 17098482 (cited by Women's Health and Genetics/Laboratory Corporation of America, LabCorp and Ambry Genetics); PubMed 12454843 (cited by Women's Health and Genetics/Laboratory Corporation of America, LabCorp and Labcorp Genetics (formerly Invitae), Labcorp); PubMed 29805046 (cited by 3 submitters); PubMed 30888834 (cited by Women's Health and Genetics/Laboratory Corporation of America, LabCorp and Labcorp Genetics (formerly Invitae), Labcorp); PubMed 31916691 (cited by Women's Health and Genetics/Laboratory Corporation of America, LabCorp and Labcorp Genetics (formerly Invitae), Labcorp); PubMed 31036917 (cited by Women's Health and Genetics/Laboratory Corporation of America, LabCorp); PubMed 34996830 (cited by Women's Health and Genetics/Laboratory Corporation of America, LabCorp); PubMed 34583889 (cited by Women's Health and Genetics/Laboratory Corporation of America, LabCorp); PubMed 34350279 (cited by Women's Health and Genetics/Laboratory Corporation of America, LabCorp and Labcorp Genetics (formerly Invitae), Labcorp); PubMed 38388235 (cited by Women's Health and Genetics/Laboratory Corporation of America, LabCorp and Labcorp Genetics (formerly Invitae), Labcorp); PubMed 39855646 (cited by Women's Health and Genetics/Laboratory Corporation of America, LabCorp); PubMed 28392015 (cited by 4 submitters); PubMed 23420618 (cited by Ambry Genetics); PubMed 23846440 (cited by Ambry Genetics).